The following is an entry in ClinVar:

NM_199420.4(POLQ):c.4942A>G (p.Lys1648Glu)

Gene: POLQ (DNA polymerase theta; minus strand). Cytogenetic location: 3q13.33.
Variant type: single nucleotide variant.
Coding change: c.4942A>G on transcript NM_199420.4 (MANE Select); coding-DNA position 4942, A replaced by G.
Protein change: p.Lys1648Glu; replaces lysine 1648 with glutamic acid.
Molecular consequence: missense variant.
Genome position (GRCh38, 1-based): chr3:121,487,989, T>C on the plus strand (A>G on the coding strand, the complement: POLQ is on the minus strand). VCF-style: chr3-121487989-T-C. GRCh37 (hg19) VCF-style: chr3-121206836-T-C.
Other names: short protein forms K1648E.
Identifiers: ClinVar variation 1744285 (VCV001744285.3), dbSNP rs758771295, ClinGen allele CA2562819.

ClinVar aggregate classification (germline): Uncertain significance (1 of 4 stars; one submission).

Allele frequency attached by ClinVar (database versions not stated): gnomAD 0.00001; ExAC 0.00002; gnomAD exomes 0.00002.
gnomAD v4.1: 15 of 1,612,160 alleles (0.00093%); highest among the groups gnomAD compares: South Asian, 0.0011%; no homozygotes.

Submission:

Ambry Genetics
Classification: Uncertain significance. Last evaluated: 2024-05-23. Review status: criteria provided, single submitter. Criteria: Ambry Variant Classification Scheme 2023. Collection method: clinical testing. Allele origin: germline.
Comment: The p.K1648E variant (also known as c.4942A>G), located in coding exon 16 of the POLQ gene, results from an A to G substitution at nucleotide position 4942. The lysine at codon 1648 is replaced by glutamic acid, an amino acid with similar properties. This amino acid position is conserved. In addition, this alteration is predicted to be tolerated by in silico analysis. Since supporting evidence is limited at this time, the clinical significance of this alteration remains unclear.